The following is an entry in ClinVar:

NM_001374259.2(IL12RB2):c.2297T>C (p.Leu766Pro)

Gene: IL12RB2 (interleukin 12 receptor subunit beta 2; plus strand). Cytogenetic location: 1p31.3.
Variant type: single nucleotide variant.
Coding change: c.2297T>C on transcript NM_001374259.2 (MANE Select); coding-DNA position 2297, T replaced by C.
Protein change: p.Leu766Pro; replaces leucine 766 with proline.
Molecular consequence: missense variant. On other transcripts: 3 prime UTR variant (3), non-coding transcript variant (2).
Genome position (GRCh38, 1-based): chr1:67,395,797, T>C. VCF-style: chr1-67395797-T-C. GRCh37 (hg19) VCF-style: chr1-67861480-T-C.
Other names: c.2039T>C, p.Leu680Pro (NM_001258215.1); c.*198T>C (NM_001258216.1); c.*217T>C (NM_001319233.1, NM_001258214.1); c.2297T>C, p.Leu766Pro (NM_001559.3); short protein forms L766P, L680P.
Identifiers: ClinVar variation 1980555 (VCV001980555.4), dbSNP rs1461010063, ClinGen allele CA340735298.
Genomic context (GRCh38, chr1:67,395,797, plus strand): 5'-GTGCCTCAAGCCCACCACCTCCAAGAGCTCTCCAAGCTGAGAGCAGACAACTGGTGGATC[T>C]GTACAAGGTGCTGGAGAGCAGGGGCTCCGACCCAAAGCCCGAAAACCCAGCCTGTCCCTG-3'
Protein context (NP_001361188.1, residues 756-776): LQAESRQLVD[Leu766Pro]YKVLESRGSD

ClinVar aggregate classification (germline): Uncertain significance (1 of 4 stars; one submission).

Allele frequency attached by ClinVar (database versions not stated): gnomAD exomes below 0.00001; gnomAD 0.00003; TOPMed 0.00003.
gnomAD v4.1: 7 of 1,613,964 alleles (0.00043%); highest among the groups gnomAD compares: African/African-American, 0.0093%; no homozygotes.

Submission:

Labcorp Genetics (formerly Invitae), Labcorp
Classification: Uncertain significance. Last evaluated: 2022-08-19. Review status: criteria provided, single submitter. Criteria: Invitae Variant Classification Sherloc (09022015). Collection method: clinical testing. Allele origin: germline.
Comment: This variant has not been reported in the literature in individuals affected with IL12RB2-related conditions. In summary, the available evidence is currently insufficient to determine the role of this variant in disease. Therefore, it has been classified as a Variant of Uncertain Significance. Algorithms developed to predict the effect of missense changes on protein structure and function are either unavailable or do not agree on the potential impact of this missense change (SIFT: "Deleterious"; PolyPhen-2: "Benign"; Align-GVGD: "Class C0"). This variant is present in population databases (no rsID available, gnomAD 0.01%). This sequence change replaces leucine, which is neutral and non-polar, with proline, which is neutral and non-polar, at codon 766 of the IL12RB2 protein (p.Leu766Pro).